The following is an entry in ClinVar:

NM_012158.4(FBXL3):c.600C>G (p.Leu200=)

Gene: FBXL3 (F-box and leucine rich repeat protein 3; minus strand). Cytogenetic location: 13q22.3.
Variant type: single nucleotide variant.
Coding change: c.600C>G on transcript NM_012158.4 (MANE Select); coding-DNA position 600, C replaced by G.
Protein change: p.Leu200=; no amino-acid change (leucine 200 retained).
Molecular consequence: synonymous variant.
Genome position (GRCh38, 1-based): chr13:77,015,452, G>C on the plus strand (C>G on the coding strand, the complement: FBXL3 is on the minus strand). VCF-style: chr13-77015452-G-C. GRCh37 (hg19) VCF-style: chr13-77589587-G-C.
Identifiers: ClinVar variation 3251129 (VCV003251129.18), dbSNP rs376976717.

ClinVar aggregate classification (germline): Likely benign (1 of 4 stars; one submission).

Allele frequency attached by ClinVar (database versions not stated): ExAC 0.00001; gnomAD 0.00001; ESP Exome Variant Server 0.00008.
gnomAD v4.1: 5 of 1,603,446 alleles (0.00031%); highest among the groups gnomAD compares: South Asian, 0.0045%; no homozygotes.

Submission:

CeGaT Center for Human Genetics Tuebingen
Classification: Likely benign. Last evaluated: 2024-06-01. Review status: criteria provided, single submitter. Criteria: CeGaT Center For Human Genetics Tuebingen Variant Classification Criteria Version 2. Collection method: clinical testing. Allele origin: germline. Affected: yes. Observed: 1 variant allele.
Comment: FBXL3: BP4, BP7